The following is an entry in ClinVar:

ClinVar aggregate classification (germline): Uncertain significance (1 of 4 stars; one submission).

Allele frequency attached by ClinVar (database versions not stated): TOPMed below 0.00001; gnomAD 0.00001; gnomAD exomes 0.00001; ExAC 0.00002.

Submission:

Labcorp Genetics (formerly Invitae), Labcorp
Classification: Uncertain significance. Last evaluated: 2022-08-09. Review status: criteria provided, single submitter. Criteria: Invitae Variant Classification Sherloc (09022015). Collection method: clinical testing. Allele origin: germline.
Comment: This sequence change replaces glycine, which is neutral and non-polar, with glutamic acid, which is acidic and polar, at codon 23 of the SLC1A4 protein (p.Gly23Glu). The frequency data for this variant in the population databases is considered unreliable, as metrics indicate poor data quality at this position in the gnomAD database. This variant has not been reported in the literature in individuals affected with SLC1A4-related conditions. ClinVar contains an entry for this variant (Variation ID: 1502903). Algorithms developed to predict the effect of missense changes on protein structure and function (SIFT, PolyPhen-2, Align-GVGD) all suggest that this variant is likely to be tolerated. In summary, the available evidence is currently insufficient to determine the role of this variant in disease. Therefore, it has been classified as a Variant of Uncertain Significance.

NM_003038.5(SLC1A4):c.68G>A (p.Gly23Glu)

Gene: SLC1A4 (solute carrier family 1 member 4; plus strand). Cytogenetic location: 2p14.
Variant type: single nucleotide variant.
Coding change: c.68G>A on transcript NM_003038.5 (MANE Select); coding-DNA position 68, G replaced by A.
Protein change: p.Gly23Glu; replaces glycine 23 with glutamic acid.
Molecular consequence: missense variant. On other transcripts: intron variant (3).
Genome position (GRCh38, 1-based): chr2:64,989,711, G>A. VCF-style: chr2-64989711-G-A. GRCh37 (hg19) VCF-style: chr2-65216845-G-A.
Other names: c.-134+1091G>A (NM_001348406.2, NM_001193493.2); c.-134+1157G>A (NM_001348407.2); short protein forms G23E.
Identifiers: ClinVar variation 1502903 (VCV001502903.3), dbSNP rs781027223, ClinGen allele CA1685829.